The following is an entry in ClinVar:

NM_000044.6(AR):c.2220C>G (p.Tyr740Ter)

Gene: AR (androgen receptor; plus strand). Cytogenetic location: Xq12.
Variant type: single nucleotide variant.
Coding change: c.2220C>G on transcript NM_000044.6 (MANE Select); coding-DNA position 2220, C replaced by G.
Protein change: p.Tyr740Ter; replaces tyrosine 740 with a stop codon.
Molecular consequence: nonsense.
Genome position (GRCh38, 1-based): chrX:67,717,524, C>G. VCF-style: chrX-67717524-C-G. GRCh37 (hg19) VCF-style: chrX-66937366-C-G.
Other names: c.624C>G, p.Tyr208Ter (NM_001011645.3); short protein forms Y740*, Y208*.
Identifiers: ClinVar variation 2088069 (VCV002088069.4), dbSNP rs1317957783, ClinGen allele CA413424500.

ClinVar aggregate classification (germline): Pathogenic (1 of 4 stars; one submission).

Conditions:
Androgen resistance syndrome (AIS). Also called: ANDROGEN RECEPTOR DEFICIENCY; DIHYDROTESTOSTERONE RECEPTOR DEFICIENCY; TESTICULAR FEMINIZATION SYNDROME; Androgen insensitivity syndrome due to coactivator deficiency; Androgen insensitivity syndrome; Androgen insensitivity. Identifiers: Orphanet 754, Orphanet 99429, MedGen C0039585, MONDO:0019154, OMIM 300068. Disease mechanism: loss of function.
Kennedy disease (SMAX1). Also called: SPINAL AND BULBAR MUSCULAR ATROPHY, X-LINKED 1; KENNEDY SPINAL AND BULBAR MUSCULAR ATROPHY; Spinal and Bulbar Muscular Atrophy. Identifiers: Orphanet 481, MedGen C1839259, MONDO:0010735, OMIM 313200.

Submission:

Labcorp Genetics (formerly Invitae), Labcorp
Classification: Pathogenic for Kennedy disease; Androgen resistance syndrome. Last evaluated: 2022-01-19. Review status: criteria provided, single submitter. Criteria: Invitae Variant Classification Sherloc (09022015). Collection method: clinical testing. Allele origin: germline.
Comment: For these reasons, this variant has been classified as Pathogenic. This variant has not been reported in the literature in individuals affected with AR-related conditions. This variant is not present in population databases (gnomAD no frequency). This sequence change creates a premature translational stop signal (p.Tyr740*) in the AR gene. It is expected to result in an absent or disrupted protein product. Loss-of-function variants in AR are known to be pathogenic (PMID: 19463997).

Literature cited by the submitters: PubMed 19463997.